The following is an entry in ClinVar:

ClinVar aggregate classification (germline): Uncertain significance (1 of 4 stars; one submission).

Conditions:
Hereditary cancer-predisposing syndrome. Also called: Hereditary Cancer Syndrome; Hereditary neoplastic syndrome; Neoplastic Syndromes, Hereditary; Tumor predisposition. Identifiers: Orphanet 140162, MedGen C0027672, MeSH D009386, MONDO:0015356.

Submission:

Ambry Genetics
Classification: Uncertain significance for Hereditary cancer-predisposing syndrome. Last evaluated: 2025-07-17. Review status: criteria provided, single submitter. Criteria: Ambry Variant Classification Scheme 2023. Collection method: clinical testing. Allele origin: germline.
Comment: The p.L269I variant (also known as c.805C>A), located in coding exon 7 of the EGFR gene, results from a C to A substitution at nucleotide position 805. The leucine at codon 269 is replaced by isoleucine, an amino acid with highly similar properties. This amino acid position is conserved. In addition, this alteration is predicted to be tolerated by in silico analysis. Based on the available evidence, the clinical significance of this variant remains unclear.

NM_005228.5(EGFR):c.805C>A (p.Leu269Ile)

Gene: EGFR (epidermal growth factor receptor; plus strand). Cytogenetic location: 7p11.2.
Variant type: single nucleotide variant.
Coding change: c.805C>A on transcript NM_005228.5 (MANE Select); coding-DNA position 805, C replaced by A.
Protein change: p.Leu269Ile; replaces leucine 269 with isoleucine.
Molecular consequence: missense variant. On other transcripts: intron variant (1).
Genome position (GRCh38, 1-based): chr7:55,154,068, C>A. VCF-style: chr7-55154068-C-A. GRCh37 (hg19) VCF-style: chr7-55221761-C-A.
Other names: c.670C>A, p.Leu224Ile (NM_001346897.2, NM_001346899.2); c.805C>A, p.Leu269Ile (NM_001346898.2, NM_201282.2, NM_201283.2 and 1 more transcripts); c.646C>A, p.Leu216Ile (NM_001346900.2); c.89-1762C>A (NM_001346941.2); short protein forms L224I, L216I, L269I.
Identifiers: ClinVar variation 4247306 (VCV004247306.1).